The following is an entry in ClinVar:

NM_005263.5(GFI1):c.692C>T (p.Ala231Val)

Gene: GFI1 (growth factor independent 1 transcriptional repressor; minus strand). Cytogenetic location: 1p22.1.
Variant type: single nucleotide variant.
Coding change: c.692C>T on transcript NM_005263.5 (MANE Select); coding-DNA position 692, C replaced by T.
Protein change: p.Ala231Val; replaces alanine 231 with valine.
Molecular consequence: missense variant.
Genome position (GRCh38, 1-based): chr1:92,480,695, G>A on the plus strand (C>T on the coding strand, the complement: GFI1 is on the minus strand). VCF-style: chr1-92480695-G-A. GRCh37 (hg19) VCF-style: chr1-92946252-G-A.
Other names: c.692C>T, p.Ala231Val (NM_001127215.3, NM_001127216.3); short protein forms A231V.
Identifiers: ClinVar variation 4029401 (VCV004029401.1).

ClinVar aggregate classification (germline): Uncertain significance (1 of 4 stars; one submission).

Submission:

Ambry Genetics
Classification: Uncertain significance. Last evaluated: 2025-04-18. Review status: criteria provided, single submitter. Criteria: Ambry Variant Classification Scheme 2023. Collection method: clinical testing. Allele origin: germline.
Comment: The p.A231V variant (also known as c.692C>T), located in coding exon 3 of the GFI1 gene, results from a C to T substitution at nucleotide position 692. The alanine at codon 231 is replaced by valine, an amino acid with similar properties. This amino acid position is conserved. In addition, this alteration is predicted to be tolerated by in silico analysis. Based on the available evidence, the clinical significance of this variant remains unclear.